The following is an entry in ClinVar:

NM_006767.4(LZTR1):c.947_949del (p.Val316del)

Gene: LZTR1 (leucine zipper like post translational regulator 1; plus strand). Cytogenetic location: 22q11.21.
Variant type: Deletion.
Coding change: c.947_949del on transcript NM_006767.4 (MANE Select); coding-DNA positions 947 to 949, 3 bases deleted (TGG; older notation c.947_949delTGG).
Protein change: p.Val316del; deletes valine 316.
Molecular consequence: inframe deletion.
Genome position (GRCh38, 1-based): chr22:20,991,783-20,991,785, TGG deleted; deleting any 3 consecutive bases within chr22:20,991,782-20,991,785 gives the same sequence; the c. name uses the placement nearest the transcript's 3' end. VCF-style (leftmost placement, unchanged base first): chr22-20991781-CGTG-C. GRCh37 (hg19) VCF-style: chr22-21346070-CGTG-C.
Other names: short protein forms V316del.
Identifiers: ClinVar variation 1767074 (VCV001767074.2), dbSNP rs2518617312, ClinGen allele CA2580099212.

ClinVar aggregate classification (germline): Uncertain significance (1 of 4 stars; one submission).

Conditions:
Cardiovascular phenotype. Identifiers: MedGen CN230736.
Hereditary cancer-predisposing syndrome. Also called: Hereditary Cancer Syndrome; Hereditary neoplastic syndrome; Neoplastic Syndromes, Hereditary; Tumor predisposition. Identifiers: Orphanet 140162, MedGen C0027672, MeSH D009386, MONDO:0015356.

Submission:

Ambry Genetics
Classification: Uncertain significance for Cardiovascular phenotype; Hereditary cancer-predisposing syndrome. Last evaluated: 2021-07-16. Review status: criteria provided, single submitter. Criteria: Ambry Variant Classification Scheme 2023. Collection method: clinical testing. Allele origin: germline.
Comment: The c.947_949delTGG variant (also known as p.V316del) is located in coding exon 9 of the LZTR1 gene. This variant results from an in-frame TGG deletion at nucleotide positions 947 to 949. This results in the in-frame deletion of a valine at codon 316. This amino acid position is highly conserved in available vertebrate species. In addition, this alteration is predicted to be deleterious by in silico analysis (Choi Y et al. PLoS ONE. 2012; 7(10):e46688). Since supporting evidence is limited at this time, the clinical significance of this alteration remains unclear.